The following is an entry in ClinVar:

ClinVar aggregate classification (germline): Uncertain significance (1 of 4 stars; one submission).

Conditions:
Familial hemophagocytic lymphohistiocytosis 3 (FHL3). Also called: UNC13D-Related Familial Hemophagocytic Lymphohistiocytosis (UNC13D-fHLH). Identifiers: Orphanet 540, MedGen C1837174, MONDO:0012146, OMIM 608898.

Allele frequency attached by ClinVar (database versions not stated): gnomAD 0.00001 and 0.00003; gnomAD exomes 0.00002; TOPMed 0.00002; ExAC 0.00003.
gnomAD v4.1: 34 of 1,613,838 alleles (0.0021%); highest among the groups gnomAD compares: East Asian, 0.0067%; no homozygotes.

Submission:

Labcorp Genetics (formerly Invitae), Labcorp
Classification: Uncertain significance for Familial hemophagocytic lymphohistiocytosis 3. Last evaluated: 2022-06-20. Review status: criteria provided, single submitter. Criteria: Invitae Variant Classification Sherloc (09022015). Collection method: clinical testing. Allele origin: germline.
Comment: This sequence change replaces arginine, which is basic and polar, with cysteine, which is neutral and slightly polar, at codon 266 of the UNC13D protein (p.Arg266Cys). This variant is present in population databases (rs781047872, gnomAD 0.02%), including at least one homozygous and/or hemizygous individual. This variant has not been reported in the literature in individuals affected with UNC13D-related conditions. ClinVar contains an entry for this variant (Variation ID: 1034653). Algorithms developed to predict the effect of missense changes on protein structure and function output the following: SIFT: "Not Available"; PolyPhen-2: "Benign"; Align-GVGD: "Not Available". The cysteine amino acid residue is found in multiple mammalian species, which suggests that this missense change does not adversely affect protein function. In summary, the available evidence is currently insufficient to determine the role of this variant in disease. Therefore, it has been classified as a Variant of Uncertain Significance.

NM_199242.3(UNC13D):c.796C>T (p.Arg266Cys)

Gene: UNC13D (unc-13 homolog D; minus strand). Cytogenetic location: 17q25.1.
Variant type: single nucleotide variant.
Coding change: c.796C>T on transcript NM_199242.3 (MANE Select); coding-DNA position 796, C replaced by T.
Protein change: p.Arg266Cys; replaces arginine 266 with cysteine.
Molecular consequence: missense variant.
Genome position (GRCh38, 1-based): chr17:75,840,287, G>A on the plus strand (C>T on the coding strand, the complement: UNC13D is on the minus strand). VCF-style: chr17-75840287-G-A. GRCh37 (hg19) VCF-style: chr17-73836368-G-A.
Other names: short protein forms R266C.
Identifiers: ClinVar variation 1034653 (VCV001034653.5), dbSNP rs781047872, ClinGen allele CA8773274.